The following is an entry in ClinVar:

ClinVar aggregate classification (germline): Uncertain significance. Review status: criteria provided, multiple submitters, no conflicts (2 of 4 stars). 6 submissions from 6 submitters: Uncertain significance (4). 2 of the submissions do not count toward it. Last evaluated 2025-11-14.

Conditions:
Sotos syndrome (SOTOS). Also called: CEREBRAL GIGANTISM; Sotos' syndrome; Distinctive facial appearance, overgrowth in childhood, and learning disabilities or delayed development; CHROMOSOME 5q35 DELETION SYNDROME; SOTOS SYNDROME 1. Identifiers: Orphanet 821, MedGen C0175695, MONDO:0019349, OMIM 117550.
NSD1-related disorder. Also called: NSD1-related condition.

Allele frequency attached by ClinVar (database versions not stated): gnomAD exomes below 0.00001 and 0.00001; ExAC 0.00001; gnomAD 0.00001; TOPMed 0.00003; 1000 Genomes Project 0.00020.
gnomAD v4.1: 7 of 1,613,806 alleles (0.00043%); highest among the groups gnomAD compares: Admixed American, 0.0067%; no homozygotes.

Submissions (6):

Labcorp Genetics (formerly Invitae), Labcorp
Classification: Uncertain significance. Last evaluated: 2025-11-14. Review status: criteria provided, single submitter. Criteria: Invitae Variant Classification Sherloc (09022015). Collection method: clinical testing. Allele origin: germline.
Comment: This sequence change replaces arginine, which is basic and polar, with glycine, which is neutral and non-polar, at codon 1471 of the NSD1 protein (p.Arg1471Gly). This variant is present in population databases (rs570278338, gnomAD 0.0009%). This missense change has been observed in individual(s) with clinical features of Sotos syndrome (PMID: 14517949, 34580403). ClinVar contains an entry for this variant (Variation ID: 1164070). Invitae Evidence Modeling of protein sequence and biophysical properties (such as structural, functional, and spatial information, amino acid conservation, physicochemical variation, residue mobility, and thermodynamic stability) indicates that this missense variant is expected to disrupt NSD1 protein function with a positive predictive value of 95%. In summary, the available evidence is currently insufficient to determine the role of this variant in disease. Therefore, it has been classified as a Variant of Uncertain Significance.

CeGaT Center for Human Genetics Tuebingen
Classification: Uncertain significance. Last evaluated: 2025-10-01. Review status: criteria provided, single submitter. Criteria: CeGaT Center For Human Genetics Tuebingen Variant Classification Criteria Version 2. Collection method: clinical testing. Allele origin: germline. Affected: yes. Observed: 2 variant alleles.

Blueprint Genetics
Classification: Uncertain significance. Last evaluated: 2024-10-23. Review status: criteria provided, single submitter. Criteria: ACMG Guidelines, 2015. Collection method: clinical testing. Allele origin: germline.

Fulgent Genetics
Classification: Uncertain significance for Sotos syndrome. Last evaluated: 2024-06-03. Review status: criteria provided, single submitter. Criteria: ACMG Guidelines, 2015. Collection method: clinical testing. Allele origin: germline.

PreventionGenetics, part of Exact Sciences
Classification: Uncertain significance for NSD1-related condition. Last evaluated: 2024-01-10. Review status: no assertion criteria provided. Collection method: clinical testing. Allele origin: germline. Not counted in ClinVar's aggregate classification.
Comment: The NSD1 c.4411C>G variant is predicted to result in the amino acid substitution p.Arg1471Gly. This variant has been reported in individuals with Sotos syndrome or neurodevelopmental disorders (Kurotaki et al. 2003. PubMed ID: 14517949; Supplemental Table 1, Pode-Shakked et al. 2021. PubMed ID: 34580403). This variant is reported in 0.00088% of alleles in individuals of European (Non-Finnish) descent in gnomAD. At this time, the clinical significance of this variant is uncertain due to the absence of conclusive functional and genetic evidence.

Pediatric Genetics Clinic, Sheba Medical Center
Classification: Likely pathogenic for Sotos syndrome. Last evaluated: 2021-05-13. Review status: no assertion criteria provided. Collection method: clinical testing. Allele origin: inherited. Affected: yes. Observed: 1 variant allele, 1 heterozygote. Not counted in ClinVar's aggregate classification.

Literature cited by the submitters: PubMed 14517949 (cited by Labcorp Genetics (formerly Invitae), Labcorp); PubMed 34580403 (cited by Labcorp Genetics (formerly Invitae), Labcorp).

NM_022455.5(NSD1):c.4411C>G (p.Arg1471Gly)

Gene: NSD1 (nuclear receptor binding SET domain protein 1; plus strand). Cytogenetic location: 5q35.3.
Variant type: single nucleotide variant.
Coding change: c.4411C>G on transcript NM_022455.5 (MANE Select); coding-DNA position 4411, C replaced by G.
Protein change: p.Arg1471Gly; replaces arginine 1471 with glycine.
Molecular consequence: missense variant.
Genome position (GRCh38, 1-based): chr5:177,246,710, C>G. VCF-style: chr5-177246710-C-G. GRCh37 (hg19) VCF-style: chr5-176673711-C-G.
Other names: c.3538C>G, p.Arg1180Gly (NM_001365684.2, NM_001409306.1, NM_001409307.1 and 3 more transcripts); c.4411C>G, p.Arg1471Gly (NM_001409301.1, NM_001409302.1, NM_001409303.1); c.3991C>G, p.Arg1331Gly (NM_001409304.1); c.3658C>G, p.Arg1220Gly (NM_001409305.1); short protein forms R1202G, R1471G, R1220G, R1180G, R1331G.
Identifiers: ClinVar variation 1164070 (VCV001164070.17), dbSNP rs570278338, ClinGen allele CA3577638.